The following is an entry in ClinVar:

ClinVar aggregate classification (germline): Conflicting classifications of pathogenicity. Review status: criteria provided, conflicting classifications (1 of 4 stars). 2 submissions from 2 submitters: Uncertain significance (1); Likely benign (1). Last evaluated 2023-03-23.

Conditions:
Hereditary breast ovarian cancer syndrome. Also called: Hereditary breast and ovarian cancer; BRCA1- and BRCA2-Associated Hereditary Breast and Ovarian Cancer; Hereditary breast and ovarian cancer syndrome; Hereditary breast and ovarian cancer syndrome (HBOC); Breast and ovarian cancer; Hereditary breast and/or ovarian cancer syndrome. Identifiers: Orphanet 145, MedGen C0677776, MeSH D061325, MONDO:0003582. Disease mechanism: loss of function.
Hereditary cancer-predisposing syndrome. Also called: Tumor predisposition; Hereditary Cancer Syndrome; Hereditary neoplastic syndrome; Neoplastic Syndromes, Hereditary. Identifiers: Orphanet 140162, MedGen C0027672, MeSH D009386, MONDO:0015356.

Submissions (2):

University of Washington Department of Laboratory Medicine, University of Washington
Classification: Likely benign for Hereditary cancer-predisposing syndrome. Last evaluated: 2023-03-23. Review status: criteria provided, single submitter. Criteria: Dines et al. (Genet Med. 2020). Collection method: curation. Allele origin: germline.
Comment: Missense variant in a coldspot region where missense variants are very unlikely to be pathogenic (PMID:31911673).

BRCA2 exon 11 coldspot. Reclassification based on statistical prior probability.

Labcorp Genetics (formerly Invitae), Labcorp
Classification: Uncertain significance for Hereditary breast ovarian cancer syndrome. Last evaluated: 2021-11-25. Review status: criteria provided, single submitter. Criteria: Invitae Variant Classification Sherloc (09022015). Collection method: clinical testing. Allele origin: germline.
Comment: In summary, the available evidence is currently insufficient to determine the role of this variant in disease. Therefore, it has been classified as a Variant of Uncertain Significance. Algorithms developed to predict the effect of missense changes on protein structure and function are either unavailable or do not agree on the potential impact of this missense change (SIFT: "Not Available"; PolyPhen-2: "Benign"; Align-GVGD: "Not Available"). This variant has not been reported in the literature in individuals affected with BRCA2-related conditions. Information on the frequency of this variant in the gnomAD database is not available, as this variant may be reported differently in the database. This sequence change replaces serine, which is neutral and polar, with leucine, which is neutral and non-polar, at codon 455 of the BRCA2 protein (p.Ser455Leu).

NM_000059.4(BRCA2):c.1364_1365inv (p.Ser455Leu)

Gene: BRCA2 (BRCA2 DNA repair associated; plus strand). Cytogenetic location: 13q13.1.
Variant type: Inversion.
Coding change: c.1364_1365inv on transcript NM_000059.4 (MANE Select).
Protein change: p.Ser455Leu; replaces serine 455 with leucine.
Molecular consequence: missense variant.
Genome position: GRCh38 VCF-style: chr13-32332842-CA-TG. GRCh37 (hg19) VCF-style: chr13-32906979-CA-TG.
Other names: short protein forms S455L.
Identifiers: ClinVar variation 1480618 (VCV001480618.7), ClinGen allele CA2573149251.